The following is an entry in ClinVar:

NM_015272.5(RPGRIP1L):c.3480T>G (p.Asp1160Glu)

Gene: RPGRIP1L (RPGRIP1 like; minus strand). Cytogenetic location: 16q12.2.
Variant type: single nucleotide variant.
Coding change: c.3480T>G on transcript NM_015272.5 (MANE Select); coding-DNA position 3480, T replaced by G.
Protein change: p.Asp1160Glu; replaces aspartic acid 1160 with glutamic acid.
Molecular consequence: missense variant.
Genome position (GRCh38, 1-based): chr16:53,619,161, A>C on the plus strand (T>G on the coding strand, the complement: RPGRIP1L is on the minus strand). VCF-style: chr16-53619161-A-C. GRCh37 (hg19) VCF-style: chr16-53653073-A-C.
Other names: c.3240T>G, p.Asp1080Glu (NM_001127897.4); c.3342T>G, p.Asp1114Glu (NM_001308334.3); c.3378T>G, p.Asp1126Glu (NM_001330538.2); short protein forms D1126E, D1114E, D1160E, D1080E.
Identifiers: ClinVar variation 1920974 (VCV001920974.3), dbSNP rs762975431, ClinGen allele CA8057274.

ClinVar aggregate classification (germline): Uncertain significance (1 of 4 stars; one submission).

Conditions:
Joubert syndrome. Also called: CEREBELLOPARENCHYMAL DISORDER IV; JOUBERT-BOLTSHAUSER SYNDROME; Familial aplasia of the vermis. Identifiers: Orphanet 475, MedGen C5979921, MONDO:0018772.
Meckel-Gruber syndrome. Also called: DYSENCEPHALIA SPLANCHNOCYSTICA; GRUBER SYNDROME; Dysencephalia splachnocystica. Identifiers: Orphanet 564, MedGen C0265215, MONDO:0018921.

Allele frequency attached by ClinVar (database versions not stated): gnomAD 0.00001; ExAC 0.00002; TOPMed 0.00004.
gnomAD v4.1: 9 of 1,613,918 alleles (0.00056%); highest among the groups gnomAD compares: East Asian, 0.02%; no homozygotes.

Submission:

Labcorp Genetics (formerly Invitae), Labcorp
Classification: Uncertain significance for Joubert syndrome; Meckel-Gruber syndrome. Last evaluated: 2025-08-21. Review status: criteria provided, single submitter. Criteria: Invitae Variant Classification Sherloc (09022015). Collection method: clinical testing. Allele origin: germline.
Comment: This sequence change replaces aspartic acid, which is acidic and polar, with glutamic acid, which is acidic and polar, at codon 1160 of the RPGRIP1L protein (p.Asp1160Glu). This variant is present in population databases (rs762975431, gnomAD 0.05%). This variant has not been reported in the literature in individuals affected with RPGRIP1L-related conditions. ClinVar contains an entry for this variant (Variation ID: 1920974). Invitae Evidence Modeling of protein sequence and biophysical properties (such as structural, functional, and spatial information, amino acid conservation, physicochemical variation, residue mobility, and thermodynamic stability) indicates that this missense variant is not expected to disrupt RPGRIP1L protein function with a negative predictive value of 80%. In summary, the available evidence is currently insufficient to determine the role of this variant in disease. Therefore, it has been classified as a Variant of Uncertain Significance.